The following is an entry in ClinVar:

ClinVar aggregate classification (germline): Likely benign. Review status: criteria provided, single submitter (1 of 4 stars). 2 submissions from 2 submitters: Likely benign (1). 1 of the submissions does not count toward it. Last evaluated 2025-12-21.

Conditions:
RELN-related disorder. Also called: RELN-related condition.
Norman-Roberts syndrome (LIS2). Also called: Lissencephaly 2 (Norman-Roberts type). Identifiers: Orphanet 89844, MedGen C0796089, MONDO:0009760, OMIM 257320.
Familial temporal lobe epilepsy 7. Identifiers: Orphanet 101046, MedGen C4225327, MONDO:0014639, OMIM 616436.

Allele frequency attached by ClinVar (database versions not stated): gnomAD 0.00002 and 0.00001; gnomAD exomes 0.00003 and 0.00005; TOPMed 0.00003; ExAC 0.00002.
gnomAD v4.1: 44 of 1,614,006 alleles (0.0027%); highest among the groups gnomAD compares: Admixed American, 0.013%; 1 homozygote.

Submissions (2):

Labcorp Genetics (formerly Invitae), Labcorp
Classification: Likely benign for Familial temporal lobe epilepsy 7; Norman-Roberts syndrome. Last evaluated: 2025-12-21. Review status: criteria provided, single submitter. Criteria: Invitae Variant Classification Sherloc (09022015). Collection method: clinical testing. Allele origin: germline.

PreventionGenetics, part of Exact Sciences
Classification: Likely benign for RELN-related condition. Last evaluated: 2020-02-12. Review status: no assertion criteria provided. Collection method: clinical testing. Allele origin: germline. Not counted in ClinVar's aggregate classification.
Comment: This variant is classified as likely benign based on ACMG/AMP sequence variant interpretation guidelines (Richards et al. 2015 PMID: 25741868, with internal and published modifications).

NM_005045.4(RELN):c.7938C>T (p.Asp2646=)

Gene: RELN (reelin; minus strand). Cytogenetic location: 7q22.1.
Variant type: single nucleotide variant.
Coding change: c.7938C>T on transcript NM_005045.4 (MANE Select); coding-DNA position 7938, C replaced by T.
Protein change: p.Asp2646=; no amino-acid change (aspartic acid 2646 retained).
Molecular consequence: synonymous variant.
Genome position (GRCh38, 1-based): chr7:103,515,366, G>A on the plus strand (C>T on the coding strand, the complement: RELN is on the minus strand). VCF-style: chr7-103515366-G-A. GRCh37 (hg19) VCF-style: chr7-103155813-G-A.
Other names: c.7938C>T, p.Asp2646= (NM_173054.3).
Identifiers: ClinVar variation 766903 (VCV000766903.12), dbSNP rs748558740, ClinGen allele CA4420604.